The following is an entry in ClinVar:

NM_001349253.2(SCN11A):c.3727G>A (p.Val1243Met)

Genes: SCN11A (sodium voltage-gated channel alpha subunit 11; minus strand), LOC126806652 (CDK7 strongly-dependent group 2 enhancer GRCh37_chr3:38912374-38913573; plus strand). Cytogenetic location: 3p22.2.
Variant type: single nucleotide variant.
Coding change: c.3727G>A on transcript NM_001349253.2 (MANE Select); coding-DNA position 3727, G replaced by A.
Protein change: p.Val1243Met; replaces valine 1243 with methionine.
Molecular consequence: missense variant.
Genome position (GRCh38, 1-based): chr3:38,871,477, C>T on the plus strand (G>A on the coding strand, the complement: SCN11A is on the minus strand). VCF-style: chr3-38871477-C-T. GRCh37 (hg19) VCF-style: chr3-38912968-C-T.
Other names: c.3727G>A, p.Val1243Met (NM_014139.3); c.3727G>A (NM_014139.2); short protein forms V1243M.
Identifiers: ClinVar variation 809470 (VCV000809470.43), dbSNP rs775046299, ClinGen allele CA2321732.

ClinVar aggregate classification (germline): Uncertain significance. Review status: criteria provided, multiple submitters, no conflicts (2 of 4 stars). 2 submissions from 2 submitters: Uncertain significance (2). Last evaluated 2025-06-11.

Allele frequency attached by ClinVar (database versions not stated): gnomAD exomes below 0.00001; ExAC 0.00001.
gnomAD v4.1: 1 of 1,612,020 alleles (0.000062%); no homozygotes.

Submissions (2):

GeneDx
Classification: Uncertain significance. Last evaluated: 2025-06-11. Review status: criteria provided, single submitter. Criteria: GeneDx Variant Classification Process June 2021. Collection method: clinical testing. Allele origin: germline. Affected: yes.
Comment: Not observed at significant frequency in large population cohorts (gnomAD); In silico analysis supports that this missense variant has a deleterious effect on protein structure/function; Has not been previously published as pathogenic or benign to our knowledge

CeGaT Center for Human Genetics Tuebingen
Classification: Uncertain significance. Last evaluated: 2019-01-01. Review status: criteria provided, single submitter. Criteria: CeGaT Center For Human Genetics Tuebingen Variant Classification Criteria Version 2. Collection method: clinical testing. Allele origin: germline. Affected: yes. Observed: 1 variant allele.